The following is an entry in ClinVar:

ClinVar aggregate classification (germline): Uncertain significance (1 of 4 stars; one submission).

Submission:

GeneDx
Classification: Uncertain significance. Last evaluated: 2026-03-03. Review status: criteria provided, single submitter. Criteria: GeneDx Variant Classification Process June 2021. Collection method: clinical testing. Allele origin: germline.
Comment: Not observed at significant frequency in large population cohorts (gnomAD); In silico analysis suggests that this missense variant does not alter protein structure/function; Has not been previously published as pathogenic or benign to our knowledge.

NM_017780.4(CHD7):c.283G>A (p.Gly95Arg)

Gene: CHD7 (chromodomain helicase DNA binding protein 7; plus strand). Cytogenetic location: 8q12.2.
Variant type: single nucleotide variant.
Coding change: c.283G>A on transcript NM_017780.4 (MANE Select); coding-DNA position 283, G replaced by A.
Protein change: p.Gly95Arg; replaces glycine 95 with arginine.
Molecular consequence: missense variant.
Genome position (GRCh38, 1-based): chr8:60,741,715, G>A. VCF-style: chr8-60741715-G-A. GRCh37 (hg19) VCF-style: chr8-61654274-G-A.
Other names: c.283G>A, p.Gly95Arg (NM_001316690.1); short protein forms G95R.
Identifiers: ClinVar variation 5008017 (VCV005008017.1).
Genomic context (GRCh38, chr8:60,741,715, plus strand): 5'-TATGAACAACAAAAGATGCATCTGATGGATCAGCCGAACAGAATGATGAGCAACACCCCT[G>A]GGAACGGACTCGCGTCTCCGCACTCGCAGTATCACACCCCTCCCGTTCCTCAGGTGCCCC-3'
Protein context (NP_060250.2, residues 85-105): QPNRMMSNTP[Gly95Arg]NGLASPHSQY